The following is an entry in ClinVar:

ClinVar aggregate classification (germline): Uncertain significance (1 of 4 stars; one submission).

Allele frequency attached by ClinVar (database versions not stated): TOPMed below 0.00001.
gnomAD v4.1: 14 of 1,606,426 alleles (0.00087%); highest among the groups gnomAD compares: East Asian, 0.014%; no homozygotes.

Submission:

Labcorp Genetics (formerly Invitae), Labcorp
Classification: Uncertain significance. Last evaluated: 2023-12-11. Review status: criteria provided, single submitter. Criteria: Invitae Variant Classification Sherloc (09022015). Collection method: clinical testing. Allele origin: germline.
Comment: This sequence change replaces glutamic acid, which is acidic and polar, with lysine, which is basic and polar, at codon 483 of the COQ8B protein (p.Glu483Lys). This variant is present in population databases (rs398122980, gnomAD 0.01%). This variant has not been reported in the literature in individuals affected with COQ8B-related conditions. ClinVar contains an entry for this variant (Variation ID: 1940044). Advanced modeling of protein sequence and biophysical properties (such as structural, functional, and spatial information, amino acid conservation, physicochemical variation, residue mobility, and thermodynamic stability) performed at Invitae indicates that this missense variant is not expected to disrupt COQ8B protein function with a negative predictive value of 80%. In summary, the available evidence is currently insufficient to determine the role of this variant in disease. Therefore, it has been classified as a Variant of Uncertain Significance.

NM_024876.4(COQ8B):c.1447G>A (p.Glu483Lys)

Gene: COQ8B (coenzyme Q8B; minus strand). Cytogenetic location: 19q13.2.
Variant type: single nucleotide variant.
Coding change: c.1447G>A on transcript NM_024876.4 (MANE Select); coding-DNA position 1447, G replaced by A.
Protein change: p.Glu483Lys; replaces glutamic acid 483 with lysine.
Molecular consequence: missense variant.
Genome position (GRCh38, 1-based): chr19:40,692,223, C>T on the plus strand (G>A on the coding strand, the complement: COQ8B is on the minus strand). VCF-style: chr19-40692223-C-T. GRCh37 (hg19) VCF-style: chr19-41198128-C-T.
Other names: c.1324G>A, p.Glu442Lys (NM_001142555.3); short protein forms E483K, E442K.
Identifiers: ClinVar variation 1940044 (VCV001940044.3), dbSNP rs398122980, ClinGen allele CA9449999.
Genomic context (GRCh38, chr19:40,692,223, plus strand): 5'-GGAGGTGGGCACAGGCCAGGAAAGCCCCTGCCAGCTTGCGGTGCAGGGCATAGGTCTCCT[C>T]GGGTGGGGGACACAGCCGGTGCCGCAGCAGCACCGGGATGAGGTCCTGTATGCGGCGGGC-3'
Protein context (NP_079152.3, residues 473-493): LLRHRLCPPP[Glu483Lys]ETYALHRKLA